The following is an entry in ClinVar:

ClinVar aggregate classification (germline): Uncertain significance (1 of 4 stars; one submission).

Submission:

Labcorp Genetics (formerly Invitae), Labcorp
Classification: Uncertain significance. Last evaluated: 2024-12-26. Review status: criteria provided, single submitter. Criteria: Invitae Variant Classification Sherloc (09022015). Collection method: clinical testing. Allele origin: germline.
Comment: This sequence change creates a premature translational stop signal (p.Lys355Argfs*2) in the IFT57 gene. While this is not anticipated to result in nonsense mediated decay, it is expected to disrupt the last 75 amino acid(s) of the IFT57 protein. This variant is not present in population databases (gnomAD no frequency). This variant has not been reported in the literature in individuals affected with IFT57-related conditions. In summary, the available evidence is currently insufficient to determine the role of this variant in disease. Therefore, it has been classified as a Variant of Uncertain Significance.

NM_018010.4(IFT57):c.1064del (p.Lys355fs)

Gene: IFT57 (intraflagellar transport 57; minus strand). Cytogenetic location: 3q13.12.
Variant type: Deletion.
Coding change: c.1064del on transcript NM_018010.4 (MANE Select); coding-DNA position 1064, one base deleted (A; older notation c.1064delA).
Protein change: p.Lys355fs; shifts the reading frame from lysine 355.
Molecular consequence: frameshift variant.
Genome position (GRCh38, 1-based): chr3:108,163,710, T deleted on the plus strand (A on the coding strand, the reverse complement: IFT57 is on the minus strand); the first of 4 consecutive T bases (chr3:108,163,710-108,163,713); deleting any one gives the same sequence. VCF-style (leftmost placement, unchanged base first): chr3-108163709-CT-C. GRCh37 (hg19) VCF-style: chr3-107882556-CT-C.
Other names: short protein forms K355fs.
Identifiers: ClinVar variation 3728103 (VCV003728103.2).
Genomic context (GRCh38, chr3:108,163,709, plus strand): 5'-GAGCATGTACTTACCACCATCAGTCATGCTGCTGCCCTTTTCTTCCATTTCTTGTTTTAC[CT>C]TTTCTAATTCTTCCATAACCTTTCATGAAAACAAGTTTTCATGAGCATTACATTTTAATA-3'